The following is an entry in ClinVar:

ClinVar aggregate classification (germline): Uncertain significance (1 of 4 stars; one submission).

Conditions:
Bethlem myopathy 1A. Also called: MYOPATHY, BENIGN CONGENITAL, WITH CONTRACTURES; Bethlem myopathy 1; Bethlem Muscular Dystrophy. Identifiers: Orphanet 610, MedGen CN029274, MONDO:0024530, OMIM 158810.

Submission:

Labcorp Genetics (formerly Invitae), Labcorp
Classification: Uncertain significance for Bethlem myopathy 1A. Last evaluated: 2024-10-09. Review status: criteria provided, single submitter. Criteria: Invitae Variant Classification Sherloc (09022015). Collection method: clinical testing. Allele origin: germline.
Comment: This sequence change replaces glutamic acid, which is acidic and polar, with valine, which is neutral and non-polar, at codon 846 of the COL6A2 protein (p.Glu846Val). This variant is not present in population databases (gnomAD no frequency). This variant has not been reported in the literature in individuals affected with COL6A2-related conditions. Invitae Evidence Modeling of protein sequence and biophysical properties (such as structural, functional, and spatial information, amino acid conservation, physicochemical variation, residue mobility, and thermodynamic stability) indicates that this missense variant is not expected to disrupt COL6A2 protein function with a negative predictive value of 80%. In summary, the available evidence is currently insufficient to determine the role of this variant in disease. Therefore, it has been classified as a Variant of Uncertain Significance.

NM_001849.4(COL6A2):c.2537A>T (p.Glu846Val)

Gene: COL6A2 (collagen type VI alpha 2 chain; plus strand). Cytogenetic location: 21q22.3.
Variant type: single nucleotide variant.
Coding change: c.2537A>T on transcript NM_001849.4 (MANE Select); coding-DNA position 2537, A replaced by T.
Protein change: p.Glu846Val; replaces glutamic acid 846 with valine.
Molecular consequence: missense variant.
Genome position (GRCh38, 1-based): chr21:46,132,029, A>T. VCF-style: chr21-46132029-A-T. GRCh37 (hg19) VCF-style: chr21-47551943-A-T.
Other names: short protein forms E846V.
Identifiers: ClinVar variation 3720304 (VCV003720304.2).